The following is an entry in ClinVar:

ClinVar aggregate classification (germline): Pathogenic/Likely pathogenic. Review status: criteria provided, multiple submitters, no conflicts (2 of 4 stars). 7 submissions from 7 submitters: Pathogenic (5); Likely pathogenic (1). 1 of the submissions does not count toward it. Last evaluated 2026-01-27.

Conditions:
Cardiovascular phenotype. Identifiers: MedGen CN230736.
Familial long QT syndrome (RWS). Also called: Congenital long QT syndrome; Romano-Ward syndrome; VENTRICULAR FIBRILLATION WITH PROLONGED QT INTERVAL. Identifiers: Orphanet 768, MedGen C1141890, MONDO:0019171.
Long QT syndrome (LQTS). Identifiers: MedGen C0023976, MeSH D008133, MONDO:0002442. Disease mechanism: loss of function. Inheritance: Various modes of inheritance.
Atrial fibrillation, familial, 3 (ATFB3). Identifiers: MedGen C1837014, MONDO:0011857, OMIM 607554.
Long QT syndrome 1 (LQT1). Identifiers: Orphanet 101016, Orphanet 768, MedGen C4551647, MONDO:0100316, OMIM 192500, MONDO:0008646.

gnomAD v4.1: 1 of 1,614,234 alleles (0.000062%); highest among the groups gnomAD compares: Non-Finnish European, 0.000085%; no homozygotes.

Submissions (7):

Labcorp Genetics (formerly Invitae), Labcorp
Classification: Pathogenic for Long QT syndrome. Last evaluated: 2026-01-27. Review status: criteria provided, single submitter. Criteria: Invitae Variant Classification Sherloc (09022015). Collection method: clinical testing. Allele origin: germline.
Comment: This sequence change creates a premature translational stop signal (p.Gln505*) in the KCNQ1 gene. It is expected to result in an absent or disrupted protein product. Loss-of-function variants in KCNQ1 are known to be pathogenic (PMID: 9323054, 19862833). This variant is not present in population databases (gnomAD no frequency). This premature translational stop signal has been observed in individual(s) with long QT syndrome (PMID: 19841300). ClinVar contains an entry for this variant (Variation ID: 52984). For these reasons, this variant has been classified as Pathogenic.

Ambry Genetics
Classification: Pathogenic for Cardiovascular phenotype. Last evaluated: 2025-09-24. Review status: criteria provided, single submitter. Criteria: Ambry Variant Classification Scheme 2023. Collection method: clinical testing. Allele origin: germline.
Comment: The p.Q505* pathogenic mutation (also known as c.1513C>T), located in coding exon 11 of the KCNQ1 gene, results from a C to T substitution at nucleotide position 1513. This changes the amino acid from a glutamine to a stop codon within coding exon 11. This variant was reported in individual(s) with features consistent with long QT syndrome (LQTS) and at least one homozygous case with sensorineural hearing loss reported; however QTc values were not provided (Kapplinger JD et al. Heart Rhythm, 2009 Sep;6:1297-303; Kapa S et al. Circulation, 2009 Nov;120:1752-60; Millat G et al. Clin. Chim. Acta, 2011 Jan;412:203-7). This variant is considered to be rare based on population cohorts in the Genome Aggregation Database (gnomAD). This alteration is expected to result in loss of function by premature protein truncation or nonsense-mediated mRNA decay. As such, this alteration is interpreted as a disease-causing mutation.

GeneDx
Classification: Pathogenic. Last evaluated: 2024-05-21. Review status: criteria provided, single submitter. Criteria: GeneDx Variant Classification Process June 2021. Collection method: clinical testing. Allele origin: germline. Affected: yes.
Comment: Nonsense variant predicted to result in protein truncation or nonsense mediated decay in a gene for which loss of function is a known mechanism of disease; Not observed at significant frequency in large population cohorts (gnomAD); Has been reported in an individual with LQTS in the published literature (PMID: 19716085); This variant is associated with the following publications: (PMID: 25525159, 31447099, 19716085)

Molecular Diagnostic Laboratory for Inherited Cardiovascular Disease, Montreal Heart Institute
Classification: Pathogenic for Familial long QT syndrome. Last evaluated: 2017-07-25. Review status: criteria provided, single submitter. Criteria: ACMG Guidelines, 2015. Collection method: clinical testing. Allele origin: germline. Affected: yes.

Laboratory for Molecular Medicine, Mass General Brigham Personalized Medicine
Classification: Likely pathogenic for Familial long QT syndrome. Last evaluated: 2017-07-24. Review status: criteria provided, single submitter. Criteria: LMM Criteria. Collection method: clinical testing. Allele origin: germline. Inheritance: Autosomal dominant inheritance. Observed: 1 variant allele.
Comment: The p.Gln505X variant in KCNQ1 has been reported in 1 individual with long QT sy ndrome (Kapa 2009, Kapplinger 2009), and was absent from large population studie s. This nonsense variant leads to a premature termination codon at position 505, which is predicted to lead to a truncated or absent protein. Heterozygous loss- of-function variants in KCNQ1 are known to cause autosomal dominant long QT synd rome 1 (also known as Romano-Ward syndrome). In the compound heterozygous or hom ozygous state, these variants are associated with autosomal recessive Jervell an d Lange-Nielsen syndrome (JLNS). In summary, although additional studies are req uired to fully establish its clinical significance, the p.Gln505X variant is lik ely pathogenic.

Imagene.me medical diagnostic laboratory, IMAGENE.ME SA
Classification: Pathogenic for Atrial fibrillation, familial, 3. Review status: criteria provided, single submitter. Criteria: IMAGENE.ME Variant Classification SOP 2022. Collection method: clinical testing. Allele origin: germline.
Comment: Classified according to the IMAGENE.ME variant classification SOP based on the ACMG guidelines as Pathogenic (P): PVS1 + PS4_Supporting + PM2_Supporting

ClinVar Staff, National Center for Biotechnology Information (NCBI)
No classification provided. Condition: Long QT syndrome, LQT1 subtype. Review status: no classification provided. Collection method: literature only. Allele origin: germline. Affected: yes. Not counted in ClinVar's aggregate classification.

Literature cited by the submitters: PubMed 9323054 (cited by Labcorp Genetics (formerly Invitae), Labcorp); PubMed 19862833 (cited by Labcorp Genetics (formerly Invitae), Labcorp); PubMed 19841300 (cited by 4 submitters); PubMed 19716085 (cited by Ambry Genetics and Laboratory for Molecular Medicine, Mass General Brigham Personalized Medicine); PubMed 20851114 (cited by Ambry Genetics).

NM_000218.3(KCNQ1):c.1513C>T (p.Gln505Ter)

Genes: KCNQ1 (potassium voltage-gated channel subfamily Q member 1; plus strand), KCNQ1OT1 (KCNQ1 opposite strand/antisense transcript 1; minus strand). Cytogenetic location: 11p15.5.
Variant type: single nucleotide variant.
Coding change: c.1513C>T on transcript NM_000218.3 (MANE Select); coding-DNA position 1513, C replaced by T.
Protein change: p.Gln505Ter; replaces glutamine 505 with a stop codon.
Molecular consequence: nonsense.
Genome position (GRCh38, 1-based): chr11:2,662,080, C>T. VCF-style: chr11-2662080-C-T. GRCh37 (hg19) VCF-style: chr11-2683310-C-T.
Other names: c.1417C>T, p.Gln473Ter (NM_001406836.1); c.1243C>T, p.Gln415Ter (NM_001406837.1); c.973C>T, p.Gln325Ter (NM_001406838.1); c.1132C>T, p.Gln378Ter (NM_181798.2); short protein forms Q505*, Q378*, Q415*, Q473*, Q325*.
Identifiers: ClinVar variation 52984 (VCV000052984.23), dbSNP rs397508091, ClinGen allele CA005820.